The following is an entry in ClinVar:

NM_032242.4(PLXNA1):c.2133C>A (p.Pro711=)

Gene: PLXNA1 (plexin A1; plus strand). Cytogenetic location: 3q21.3.
Variant type: single nucleotide variant.
Coding change: c.2133C>A on transcript NM_032242.4 (MANE Select); coding-DNA position 2133, C replaced by A.
Protein change: p.Pro711=; no amino-acid change (proline 711 retained).
Molecular consequence: synonymous variant.
Genome position (GRCh38, 1-based): chr3:127,011,978, C>A. VCF-style: chr3-127011978-C-A. GRCh37 (hg19) VCF-style: chr3-126730821-C-A.
Other names: c.2133C>A (NM_032242.3).
Identifiers: ClinVar variation 4752398 (VCV004752398.2).

ClinVar aggregate classification (germline): Likely benign. Review status: criteria provided, multiple submitters, no conflicts (2 of 4 stars). 2 submissions from 2 submitters: Likely benign (2). Last evaluated 2025-10-14.

Conditions:
PLXNA1-related disorder. Also called: PLXNA1-related condition.

gnomAD v4.1: 21 of 1,613,554 alleles (0.0013%); highest among the groups gnomAD compares: Non-Finnish European, 0.00034%; no homozygotes.

Submissions (2):

Labcorp Genetics (formerly Invitae), Labcorp
Classification: Likely benign. Last evaluated: 2025-10-14. Review status: criteria provided, single submitter. Criteria: Invitae Variant Classification Sherloc (09022015). Collection method: clinical testing. Allele origin: germline.

PreventionGenetics, part of Exact Sciences
Classification: Likely benign for PLXNA1-related condition. Last evaluated: 2024-10-24. Review status: criteria provided, single submitter. Criteria: ACMG Guidelines, 2015. Collection method: clinical testing. Allele origin: germline.
Comment: This variant is classified as likely benign based on ACMG/AMP sequence variant interpretation guidelines (Richards et al. 2015 PMID: 25741868, with internal and published modifications).